The following is an entry in ClinVar:

ClinVar aggregate classification (germline): Uncertain significance (1 of 4 stars; one submission).

Allele frequency attached by ClinVar (database versions not stated): TOPMed below 0.00001; gnomAD 0.00001.

Submission:

GeneDx
Classification: Uncertain significance. Last evaluated: 2024-08-30. Review status: criteria provided, single submitter. Criteria: GeneDx Variant Classification Process June 2021. Collection method: clinical testing. Allele origin: germline.
Comment: In silico analysis is inconclusive as to whether the variant alters gene splicing. In the absence of RNA/functional studies, the actual effect of this sequence change is unknown.; Not observed at significant frequency in large population cohorts (gnomAD); Has not been previously published as pathogenic or benign to our knowledge

NM_006852.6(TLK2):c.1284A>G (p.Ser428=)

Gene: TLK2 (tousled like kinase 2; plus strand). Cytogenetic location: 17q23.2.
Variant type: single nucleotide variant.
Coding change: c.1284A>G on transcript NM_006852.6 (MANE Select); coding-DNA position 1284, A replaced by G.
Protein change: p.Ser428=; no amino-acid change (serine 428 retained).
Molecular consequence: synonymous variant.
Genome position (GRCh38, 1-based): chr17:62,578,572, A>G. VCF-style: chr17-62578572-A-G. GRCh37 (hg19) VCF-style: chr17-60655933-A-G.
Other names: c.1350A>G, p.Ser450= (NM_001284333.3); c.1188A>G, p.Ser396= (NM_001284363.1, NM_001375272.1); c.837A>G, p.Ser279= (NM_001330418.3, NM_001375273.1); c.1326A>G, p.Ser442= (NM_001375269.1); c.1284A>G, p.Ser428= (NM_001375270.1, NM_001375271.1); c.999A>G, p.Ser333= (NM_001411074.1).
Identifiers: ClinVar variation 2501907 (VCV002501907.2), dbSNP rs1370560146, ClinGen allele CA501157826.